The following is an entry in ClinVar:

NM_005188.4(CBL):c.*2224A>G

Gene: CBL (Cbl proto-oncogene; plus strand). Cytogenetic location: 11q23.3.
Variant type: single nucleotide variant.
Coding change: c.*2224A>G on transcript NM_005188.4 (MANE Select); 2224 bases downstream of the stop codon, A replaced by G.
Molecular consequence: 3 prime UTR variant.
Genome position (GRCh38, 1-based): chr11:119,302,005, A>G. VCF-style: chr11-119302005-A-G. GRCh37 (hg19) VCF-style: chr11-119172715-A-G.
Identifiers: ClinVar variation 302822 (VCV000302822.29), dbSNP rs550910545, ClinGen allele CA10629997.
Genomic context (GRCh38, chr11:119,302,005, plus strand): 5'-TTTATCTGCAGATATTGCCTGTAGTCTAAAGATCTCTTTGGAAGACAAAGCATTGGCTAT[A>G]TATCTTTTGCCTTTTCCATGCATCTAAATCTTCTCTGGAGATTATCTCCCTACTGTGTAG-3'

ClinVar aggregate classification (germline): Conflicting classifications of pathogenicity. Review status: criteria provided, conflicting classifications (1 of 4 stars). 2 submissions from 2 submitters: Uncertain significance (1); Benign (1). Last evaluated 2022-08-01.

Conditions:
CBL-related disorder. Also called: NOONAN SYNDROME-LIKE DISORDER WITHOUT JUVENILE MYELOMONOCYTIC LEUKEMIA; CBL MUTATION-ASSOCIATED SYNDROME; CBL SYNDROME. Identifiers: Orphanet 363972, MedGen C3150803, MONDO:0013308, OMIM 613563.

Allele frequency attached by ClinVar (database versions not stated): TOPMed 0.00076; gnomAD exomes 0.00089; 1000 Genomes Project 30x 0.00016; 1000 Genomes Project 0.00020; gnomAD 0.00060 and 0.00065.
gnomAD v4.1: 165 of 233,116 alleles (0.071%); highest among the groups gnomAD compares: Middle Eastern, 0.13%; no homozygotes.

Submissions (2):

CeGaT Center for Human Genetics Tuebingen
Classification: Benign. Last evaluated: 2022-08-01. Review status: criteria provided, single submitter. Criteria: CeGaT Center For Human Genetics Tuebingen Variant Classification Criteria Version 2. Collection method: clinical testing. Allele origin: germline. Affected: yes. Observed: 2 variant alleles.
Comment: CBL: BS1, BS2

Illumina Laboratory Services, Illumina
Classification: Uncertain significance for CBL-related disorder. Last evaluated: 2018-01-12. Review status: criteria provided, single submitter. Criteria: ICSL Variant Classification Criteria 13 December 2019. Collection method: clinical testing. Allele origin: germline.